The following is an entry in ClinVar:

ClinVar aggregate classification (germline): Pathogenic (1 of 4 stars; one submission).

Conditions:
Spondyloenchondrodysplasia with immune dysregulation (SPENCDI). Also called: ROIFMAN IMMUNOSKELETAL SYNDROME; SPONDYLOENCHONDRODYSPLASIA WITH OR WITHOUT IMMUNE DYSREGULATION; COMBINED IMMUNODEFICIENCY WITH AUTOIMMUNITY AND SPONDYLOMETAPHYSEAL DYSPLASIA. Identifiers: Orphanet 1855, MedGen C1842763, MONDO:0011939, OMIM 607944.

Allele frequency attached by ClinVar (database versions not stated): gnomAD exomes 0.00003; ExAC 0.00001; gnomAD 0.00001; TOPMed 0.00001.

Submission:

Labcorp Genetics (formerly Invitae), Labcorp
Classification: Pathogenic for Spondyloenchondrodysplasia with immune dysregulation. Last evaluated: 2025-04-30. Review status: criteria provided, single submitter. Criteria: Invitae Variant Classification Sherloc (09022015). Collection method: clinical testing. Allele origin: germline.
Comment: This sequence change creates a premature translational stop signal (p.Lys125*) in the ACP5 gene. It is expected to result in an absent or disrupted protein product. Loss-of-function variants in ACP5 are known to be pathogenic (PMID: 21217752, 21217755). This variant is present in population databases (rs756448158, gnomAD 0.002%). This variant has not been reported in the literature in individuals affected with ACP5-related conditions. ClinVar contains an entry for this variant (Variation ID: 1897232). Algorithms developed to predict the effect of sequence changes on RNA splicing suggest that this variant may disrupt the consensus splice site. For these reasons, this variant has been classified as Pathogenic.

Literature cited by the submitters: PubMed 21217752; PubMed 21217755.

NM_001611.5(ACP5):c.372dup (p.Lys125Ter)

Gene: ACP5 (acid phosphatase 5, tartrate resistant; minus strand). Cytogenetic location: 19p13.2.
Variant type: Duplication.
Coding change: c.372dup on transcript NM_001611.5 (MANE Select); coding-DNA position 372, one base duplicated (T; older notation c.372dupT).
Protein change: p.Lys125Ter; replaces lysine 125 with a stop codon.
Molecular consequence: nonsense.
Genome position (GRCh38, 1-based): chr19:11,576,733, A duplicated on the plus strand (T on the coding strand, the reverse complement: ACP5 is on the minus strand). VCF-style (leftmost placement, unchanged base first): chr19-11576732-T-TA. GRCh37 (hg19) VCF-style: chr19-11687547-T-TA.
Other names: c.372dup, p.Lys125Ter (NM_001111034.3, NM_001111035.3, NM_001111036.3 and 1 more transcripts); short protein forms K125*.
Identifiers: ClinVar variation 1897232 (VCV001897232.5), dbSNP rs756448158, ClinGen allele CA9215441.